The following is an entry in ClinVar:

NM_001365088.1(SLC12A6):c.775G>T (p.Ala259Ser)

Gene: SLC12A6 (solute carrier family 12 member 6; minus strand). Cytogenetic location: 15q14.
Variant type: single nucleotide variant.
Coding change: c.775G>T on transcript NM_001365088.1 (MANE Select); coding-DNA position 775, G replaced by T.
Protein change: p.Ala259Ser; replaces alanine 259 with serine.
Molecular consequence: missense variant.
Genome position (GRCh38, 1-based): chr15:34,255,363, C>A on the plus strand (G>T on the coding strand, the complement: SLC12A6 is on the minus strand). VCF-style: chr15-34255363-C-A. GRCh37 (hg19) VCF-style: chr15-34547564-C-A.
Other names: c.598G>T, p.Ala200Ser (NM_001042494.2, NM_001042495.2); c.748G>T, p.Ala250Ser (NM_001042496.2); c.730G>T, p.Ala244Ser (NM_001042497.2); c.622G>T, p.Ala208Ser (NM_005135.2); c.775G>T, p.Ala259Ser (NM_133647.2); short protein forms A244S, A259S, A250S, A200S, A208S.
Identifiers: ClinVar variation 1760492 (VCV001760492.5), dbSNP rs1168627960, ClinGen allele CA391610542.
Genomic context (GRCh38, chr15:34,255,363, plus strand): 5'-CAAATGTGGTACCAAGATAAAAGCAGAGGCCAACAGCCCCACCAAACTCTGGGCCCAGTG[C>A]CCGGGAAATCATAAAGTATGAGCCCCCAGCTAAAAGACAAAACAGAAGGTGAATAGAAGA-3'
Protein context (NP_001352017.1, residues 249-269): AGGSYFMISR[Ala259Ser]LGPEFGGAVG

ClinVar aggregate classification (germline): Uncertain significance. Review status: criteria provided, multiple submitters, no conflicts (2 of 4 stars). 2 submissions from 2 submitters: Uncertain significance (2). Last evaluated 2025-04-09.

Conditions:
Inborn genetic diseases. Identifiers: MedGen C0950123, MeSH D030342.

Allele frequency attached by ClinVar (database versions not stated): gnomAD exomes below 0.00001; gnomAD 0.00001; TOPMed 0.00004.
gnomAD v4.1: 2 of 1,610,062 alleles (0.00012%); highest among the groups gnomAD compares: Admixed American, 0.0033%; no homozygotes.

Submissions (2):

Ambry Genetics
Classification: Uncertain significance for Inborn genetic diseases. Last evaluated: 2025-04-09. Review status: criteria provided, single submitter. Criteria: Ambry Variant Classification Scheme 2023. Collection method: clinical testing. Allele origin: germline.

Labcorp Genetics (formerly Invitae), Labcorp
Classification: Uncertain significance. Last evaluated: 2022-05-18. Review status: criteria provided, single submitter. Criteria: Invitae Variant Classification Sherloc (09022015). Collection method: clinical testing. Allele origin: germline.
Comment: This sequence change replaces alanine, which is neutral and non-polar, with serine, which is neutral and polar, at codon 259 of the SLC12A6 protein (p.Ala259Ser). This variant is not present in population databases (gnomAD no frequency). This variant has not been reported in the literature in individuals affected with SLC12A6-related conditions. Advanced modeling of protein sequence and biophysical properties (such as structural, functional, and spatial information, amino acid conservation, physicochemical variation, residue mobility, and thermodynamic stability) performed at Invitae indicates that this missense variant is not expected to disrupt SLC12A6 protein function. In summary, the available evidence is currently insufficient to determine the role of this variant in disease. Therefore, it has been classified as a Variant of Uncertain Significance.